The following is an entry in ClinVar:

NM_024753.5(TTC21B):c.1725A>G (p.Lys575=)

Gene: TTC21B (tetratricopeptide repeat domain 21B; minus strand). Cytogenetic location: 2q24.3.
Variant type: single nucleotide variant.
Coding change: c.1725A>G on transcript NM_024753.5 (MANE Select); coding-DNA position 1725, A replaced by G.
Protein change: p.Lys575=; no amino-acid change (lysine 575 retained).
Molecular consequence: synonymous variant.
Genome position (GRCh38, 1-based): chr2:165,917,431, T>C on the plus strand (A>G on the coding strand, the complement: TTC21B is on the minus strand). VCF-style: chr2-165917431-T-C. GRCh37 (hg19) VCF-style: chr2-166773941-T-C.
Other names: c.1725A>G (NM_024753.4).
Identifiers: ClinVar variation 1616445 (VCV001616445.11), dbSNP rs771273516, ClinGen allele CA1942033.
Genomic context (GRCh38, chr2:165,917,431, plus strand): 5'-CATTCCTGGTAAACTCATTGCCATATGCAGTGTTTTAATTGCGTCTGCTATTTCTCCCAT[T>C]TTCTTTTGTGACTGAGCTTTTATCAAATGGTATAAAGGATAGTCTCTCACCTGAAGAATA-3'
Protein context (NP_079029.3, residues 565-585): YHLIKAQSQK[Lys575=]MGEIADAIKT

ClinVar aggregate classification (germline): Likely benign. Review status: criteria provided, multiple submitters, no conflicts (2 of 4 stars). 3 submissions from 3 submitters: Likely benign (2). 1 of the submissions does not count toward it. Last evaluated 2026-01-22.

Conditions:
TTC21B-related disorder. Also called: TTC21B-related disorders; TTC21B-related condition.
Nephronophthisis. Also called: Juvenile Nephronophthisis. Identifiers: Orphanet 655, MedGen C0687120, MONDO:0019005, HP:0000090.
Jeune thoracic dystrophy. Also called: Chondroectodermal dysplasia-like syndrome; Jeune syndrome; Infantile thoracic dystrophy; Thoracic pelvic phalangeal dystrophy; Jeune's syndrome; Short-rib thoracic dysplasia. Identifiers: Orphanet 474, MedGen C0265275, MONDO:0018770.

Allele frequency attached by ClinVar (database versions not stated): TOPMed below 0.00001; gnomAD 0.00005; gnomAD exomes 0.00009 and 0.00012; ExAC 0.00017.
gnomAD v4.1: 135 of 1,614,002 alleles (0.0084%); highest among the groups gnomAD compares: South Asian, 0.14%; no homozygotes.

Submissions (3):

Labcorp Genetics (formerly Invitae), Labcorp
Classification: Likely benign for Jeune thoracic dystrophy; Nephronophthisis. Last evaluated: 2026-01-22. Review status: criteria provided, single submitter. Criteria: Invitae Variant Classification Sherloc (09022015). Collection method: clinical testing. Allele origin: germline.

Blueprint Genetics
Classification: Likely benign. Last evaluated: 2024-08-29. Review status: criteria provided, single submitter. Criteria: ACMG Guidelines, 2015. Collection method: clinical testing. Allele origin: germline.

PreventionGenetics, part of Exact Sciences
Classification: Likely benign for TTC21B-related condition. Last evaluated: 2019-09-26. Review status: no assertion criteria provided. Collection method: clinical testing. Allele origin: germline. Not counted in ClinVar's aggregate classification.
Comment: This variant is classified as likely benign based on ACMG/AMP sequence variant interpretation guidelines (Richards et al. 2015 PMID: 25741868, with internal and published modifications).